The following is an entry in ClinVar:

NM_020693.4(DSCAML1):c.4409T>A (p.Ile1470Asn)

Gene: DSCAML1 (DS cell adhesion molecule like 1; minus strand). Cytogenetic location: 11q23.3.
Variant type: single nucleotide variant.
Coding change: c.4409T>A on transcript NM_020693.4 (MANE Select); coding-DNA position 4409, T replaced by A.
Protein change: p.Ile1470Asn; replaces isoleucine 1470 with asparagine.
Molecular consequence: missense variant.
Genome position (GRCh38, 1-based): chr11:117,437,918, A>T on the plus strand (T>A on the coding strand, the complement: DSCAML1 is on the minus strand). VCF-style: chr11-117437918-A-T. GRCh37 (hg19) VCF-style: chr11-117308634-A-T.
Other names: short protein forms I1470N.
Identifiers: ClinVar variation 3676972 (VCV003676972.2).

ClinVar aggregate classification (germline): Uncertain significance (1 of 4 stars; one submission).

gnomAD v4.1: 1 of 1,611,480 alleles (0.000062%); highest among the groups gnomAD compares: Non-Finnish European, 0.000085%; no homozygotes.

Submission:

Labcorp Genetics (formerly Invitae), Labcorp
Classification: Uncertain significance. Last evaluated: 2024-05-14. Review status: criteria provided, single submitter. Criteria: Invitae Variant Classification Sherloc (09022015). Collection method: clinical testing. Allele origin: germline.
Comment: This sequence change replaces isoleucine, which is neutral and non-polar, with asparagine, which is neutral and polar, at codon 1530 of the DSCAML1 protein (p.Ile1530Asn). This variant is not present in population databases (gnomAD no frequency). This variant has not been reported in the literature in individuals affected with DSCAML1-related conditions. An algorithm developed to predict the effect of missense changes on protein structure and function (PolyPhen-2) suggests that this variant is likely to be disruptive. In summary, the available evidence is currently insufficient to determine the role of this variant in disease. Therefore, it has been classified as a Variant of Uncertain Significance.